The following is an entry in ClinVar:

NM_007294.4(BRCA1):c.3971T>C (p.Met1324Thr)

Genes: BRCA1 (BRCA1 DNA repair associated; minus strand), LOC126862571 (BRD4-independent group 4 enhancer GRCh37_chr17:41243136-41244335; plus strand). Cytogenetic location: 17q21.31.
Variant type: single nucleotide variant.
Coding change: c.3971T>C on transcript NM_007294.4 (MANE Select); coding-DNA position 3971, T replaced by C.
Protein change: p.Met1324Thr; replaces methionine 1324 with threonine.
Molecular consequence: missense variant. On other transcripts: intron variant (135).
Genome position (GRCh38, 1-based): chr17:43,091,560, A>G on the plus strand (T>C on the coding strand, the complement: BRCA1 is on the minus strand). VCF-style: chr17-43091560-A-G. GRCh37 (hg19) VCF-style: chr17-41243577-A-G.
Other names: c.3890T>C, p.Met1297Thr (NM_001407662.1, NM_001407659.1, NM_001407660.1 and 1 more transcripts); c.3893T>C, p.Met1298Thr (NM_001407663.1, NM_001407653.1, NM_001407654.1 and 4 more transcripts); c.3848T>C, p.Met1283Thr (NM_001407664.1, NM_001407665.1, NM_001407666.1 and 19 more transcripts); c.3845T>C, p.Met1282Thr (NM_001407670.1, NM_001407671.1, NM_001407672.1 and 11 more transcripts); c.3971T>C, p.Met1324Thr (NM_001407684.1, NM_001407854.1, NM_001407858.1 and 30 more transcripts); c.3830T>C, p.Met1277Thr (NM_001407692.1, NM_001407694.1, NM_001407695.1 and 29 more transcripts); c.3827T>C, p.Met1276Thr (NM_001407740.1, NM_001407741.1, NM_001407742.1 and 20 more transcripts); c.3758T>C, p.Met1253Thr (NM_001407853.1, NM_001407894.1, NM_001407895.1 and 9 more transcripts); and 41 more; short protein forms M1277T, M1324T, M1236T, M1256T, M1283T, M1321T, M1213T, M1235T.
Identifiers: ClinVar variation 824447 (VCV000824447.13), dbSNP rs1597860147, ClinGen allele CA10594027.

ClinVar aggregate classification (germline): Conflicting classifications of pathogenicity. Review status: criteria provided, conflicting classifications (1 of 4 stars). 3 submissions from 3 submitters: Uncertain significance (2); Likely benign (1). Last evaluated 2025-06-02.

Conditions:
Hereditary cancer-predisposing syndrome. Also called: Neoplastic Syndromes, Hereditary; Tumor predisposition; Hereditary neoplastic syndrome; Hereditary Cancer Syndrome. Identifiers: Orphanet 140162, MedGen C0027672, MeSH D009386, MONDO:0015356.
Hereditary breast ovarian cancer syndrome. Also called: Hereditary breast and ovarian cancer syndrome; Hereditary breast and ovarian cancer; Hereditary breast and ovarian cancer syndrome (HBOC); Breast and ovarian cancer; Hereditary breast and/or ovarian cancer syndrome; BRCA1- and BRCA2-Associated Hereditary Breast and Ovarian Cancer. Identifiers: Orphanet 145, MedGen C0677776, MeSH D061325, MONDO:0003582. Disease mechanism: loss of function.

Submissions (3):

Ambry Genetics
Classification: Uncertain significance for Hereditary cancer-predisposing syndrome. Last evaluated: 2025-06-02. Review status: criteria provided, single submitter. Criteria: Ambry Variant Classification Scheme 2023. Collection method: clinical testing. Allele origin: germline.
Comment: The p.M1324T variant (also known as c.3971T>C), located in coding exon 9 of the BRCA1 gene, results from a T to C substitution at nucleotide position 3971. The methionine at codon 1324 is replaced by threonine, an amino acid with similar properties. This amino acid position is poorly conserved in available vertebrate species. In addition, this alteration is predicted to be tolerated by in silico analysis. Since supporting evidence is limited at this time, the clinical significance of this alteration remains unclear.

University of Washington Department of Laboratory Medicine, University of Washington
Classification: Likely benign for Hereditary cancer-predisposing syndrome. Last evaluated: 2023-03-23. Review status: criteria provided, single submitter. Criteria: Dines et al. (Genet Med. 2020). Collection method: curation. Allele origin: germline.
Comment: Missense variant in a coldspot region where missense variants are very unlikely to be pathogenic (PMID:31911673).

BRCA1 coldspot (exon 11 using historical exon numbering). Reclassification based on statistical prior probability

Labcorp Genetics (formerly Invitae), Labcorp
Classification: Uncertain significance for Hereditary breast ovarian cancer syndrome. Last evaluated: 2022-07-30. Review status: criteria provided, single submitter. Criteria: Invitae Variant Classification Sherloc (09022015). Collection method: clinical testing. Allele origin: germline.
Comment: In summary, the available evidence is currently insufficient to determine the role of this variant in disease. Therefore, it has been classified as a Variant of Uncertain Significance. Advanced modeling of protein sequence and biophysical properties (such as structural, functional, and spatial information, amino acid conservation, physicochemical variation, residue mobility, and thermodynamic stability) performed at Invitae indicates that this missense variant is not expected to disrupt BRCA1 protein function. ClinVar contains an entry for this variant (Variation ID: 824447). This variant has not been reported in the literature in individuals affected with BRCA1-related conditions. This sequence change replaces methionine, which is neutral and non-polar, with threonine, which is neutral and polar, at codon 1324 of the BRCA1 protein (p.Met1324Thr). This variant is not present in population databases (gnomAD no frequency).